The following is an entry in ClinVar:

ClinVar aggregate classification (germline): Uncertain significance (1 of 4 stars; one submission).

Conditions:
Bethlem myopathy 2 (BTHLM2). Identifiers: Orphanet 536516, Orphanet 610, MedGen C4225313, MONDO:0034022, OMIM 616471.
Ullrich congenital muscular dystrophy 2 (UCMD2). Identifiers: Orphanet 75840, MedGen C4225314, MONDO:0014654, OMIM 616470.

gnomAD v4.1: 1 of 1,444,156 alleles (0.000069%); highest among the groups gnomAD compares: Non-Finnish European, 0.000093%; no homozygotes.

Submission:

Labcorp Genetics (formerly Invitae), Labcorp
Classification: Uncertain significance for Bethlem myopathy 2; Ullrich congenital muscular dystrophy 2. Last evaluated: 2025-03-05. Review status: criteria provided, single submitter. Criteria: Invitae Variant Classification Sherloc (09022015). Collection method: clinical testing. Allele origin: germline.
Comment: This sequence change affects codon 1382 of the COL12A1 mRNA. It is a 'silent' change, meaning that it does not change the encoded amino acid sequence of the COL12A1 protein. It affects a nucleotide within the consensus splice site. This variant is not present in population databases (gnomAD no frequency). This variant has not been reported in the literature in individuals affected with COL12A1-related conditions. Algorithms developed to predict the effect of sequence changes on RNA splicing suggest that this variant is not likely to affect RNA splicing. In summary, the available evidence is currently insufficient to determine the role of this variant in disease. Therefore, it has been classified as a Variant of Uncertain Significance.

NM_004370.6(COL12A1):c.4146A>T (p.Pro1382=)

Gene: COL12A1 (collagen type XII alpha 1 chain; minus strand). Cytogenetic location: 6q13.
Variant type: single nucleotide variant.
Coding change: c.4146A>T on transcript NM_004370.6 (MANE Select); coding-DNA position 4146, A replaced by T.
Protein change: p.Pro1382=; no amino-acid change (proline 1382 retained).
Molecular consequence: synonymous variant.
Genome position (GRCh38, 1-based): chr6:75,151,142, T>A on the plus strand (A>T on the coding strand, the complement: COL12A1 is on the minus strand). VCF-style: chr6-75151142-T-A. GRCh37 (hg19) VCF-style: chr6-75860858-T-A.
Other names: c.4146A>T, p.Pro1382= (NM_001424113.1, NM_001424114.1); c.3873A>T, p.Pro1291= (NM_001424115.1); c.654A>T, p.Pro218= (NM_001424116.1, NM_080645.3).
Identifiers: ClinVar variation 4791518 (VCV004791518.1).